The following is an entry in ClinVar:

ClinVar aggregate classification (germline): Uncertain significance (1 of 4 stars; one submission).

Conditions:
Juvenile polyposis syndrome (JPS). Identifiers: Orphanet 2929, MedGen C0345893, MONDO:0017380, OMIM 174900.

Submission:

Labcorp Genetics (formerly Invitae), Labcorp
Classification: Uncertain significance for Juvenile polyposis syndrome. Last evaluated: 2026-01-19. Review status: criteria provided, single submitter. Criteria: Invitae Variant Classification Sherloc (09022015). Collection method: clinical testing. Allele origin: germline.
Comment: This variant occurs in a non-coding region of the SMAD4 gene. It does not change the encoded amino acid sequence of the SMAD4 protein. This variant is not present in population databases (gnomAD no frequency). This variant has not been reported in the literature in individuals affected with SMAD4-related conditions. Experimental studies and prediction algorithms are not available or were not evaluated, and the effect of this variant on mRNA splicing is currently unknown. In summary, the available evidence is currently insufficient to determine the role of this variant in disease. Therefore, it has been classified as a Variant of Uncertain Significance.

NM_005359.6(SMAD4):c.-113_-106delinsCTAAAGGGGCAAATACCTAAATGTTCTAAAGGGGCAAAATATCAACTACAATACTCGGTTTTAGCAGTCAAAATATAAGTTTGTTCCTAAATTCAAATTTAAATACGTATATTAAAAATGTCTGATTCTTTAACCTTATTTAAAGTCGCGGGCTATCTTCCAAATTTATAATTTAACTTACAAAAATTGAAACACTATTGAGATCCTTTTCCCTTTATGTTTCTTAGGATGAAAGCAAAGTCTACTTACCAATTCCAGGTGATACAACTCGTTCGTAGTGATATGGATTCACACAGACACTATCACATTTTAAGTCAAACGCATACTGACAATATTTAACATGTTTTAGTTCATTTTTGTGAAGATCAGGCCACCTCCAGAGAGGTG

Gene: SMAD4 (SMAD family member 4; plus strand). Cytogenetic location: 18q21.2.
Variant type: Indel.
Coding change: c.-113_-106delinsCTAAAGGGGCAAATACCTAAATGTTCTAAAGGGGCAAAATATCAACTACAATACTCGGTTTTAGCAGTCAAAATATAAGTTTGTTCCTAAATTCAAATTTAAATACGTATATTAAAAATGTCTGATTCTTTAACCTTATTTAAAGTCGCGGGCTATCTTCCAAATTTATAATTTAACTTACAAAAATTGAAACACTATTGAGATCCTTTTCCCTTTATGTTTCTTAGGATGAAAGCAAAGTCTACTTACCAATTCCAGGTGATACAACTCGTTCGTAGTGATATGGATTCACACAGACACTATCACATTTTAAGTCAAACGCATACTGACAATATTTAACATGTTTTAGTTCATTTTTGTGAAGATCAGGCCACCTCCAGAGAGGTG on transcript NM_005359.6 (MANE Select); 113 bases upstream of the start codon through 106 bases upstream of the start codon, the reference bases replaced by an inserted sequence.
Molecular consequence: 5 prime UTR variant. On other transcripts: non-coding transcript variant (2), intron variant (1).
Genome position (GRCh38, 1-based): chr18:51,046,934-51,046,941, 8 bases replaced. GRCh37 (hg19): chr18:48,573,304-48,573,311.
Other names: c.-113_-106delinsCTAAAGGGGCAAATACCTAAATGTTCTAAAGGGGCAAAATATCAACTACAATACTCGGTTTTAGCAGTCAAAATATAAGTTTGTTCCTAAATTCAAATTTAAATACGTATATTAAAAATGTCTGATTCTTTAACCTTATTTAAAGTCGCGGGCTATCTTCCAAATTTATAATTTAACTTACAAAAATTGAAACACTATTGAGATCCTTTTCCCTTTATGTTTCTTAGGATGAAAGCAAAGTCTACTTACCAATTCCAGGTGATACAACTCGTTCGTAGTGATATGGATTCACACAGACACTATCACATTTTAAGTCAAACGCATACTGACAATATTTAACATGTTTTAGTTCATTTTTGTGAAGATCAGGCCACCTCCAGAGAGGTG (NM_001407042.1, NM_001407043.1); c.-59-54_-59-47delinsCTAAAGGGGCAAATACCTAAATGTTCTAAAGGGGCAAAATATCAACTACAATACTCGGTTTTAGCAGTCAAAATATAAGTTTGTTCCTAAATTCAAATTTAAATACGTATATTAAAAATGTCTGATTCTTTAACCTTATTTAAAGTCGCGGGCTATCTTCCAAATTTATAATTTAACTTACAAAAATTGAAACACTATTGAGATCCTTTTCCCTTTATGTTTCTTAGGATGAAAGCAAAGTCTACTTACCAATTCCAGGTGATACAACTCGTTCGTAGTGATATGGATTCACACAGACACTATCACATTTTAAGTCAAACGCATACTGACAATATTTAACATGTTTTAGTTCATTTTTGTGAAGATCAGGCCACCTCCAGAGAGGTG (NM_001407041.1).
Identifiers: ClinVar variation 4734459 (VCV004734459.1).